The following is an entry in ClinVar:

NM_002878.4(RAD51D):c.898C>T (p.Arg300Ter)

Genes: RAD51L3-RFFL (RAD51L3-RFFL readthrough; minus strand), RAD51D (RAD51 paralog D; minus strand). Cytogenetic location: 17q12.
Variant type: single nucleotide variant.
Coding change: c.898C>T on transcript NM_002878.4 (MANE Select); coding-DNA position 898, C replaced by T.
Protein change: p.Arg300Ter; replaces arginine 300 with a stop codon.
Molecular consequence: nonsense. On other transcripts: non-coding transcript variant (3).
Genome position (GRCh38, 1-based): chr17:35,101,206, G>A on the plus strand (C>T on the coding strand, the complement: RAD51D is on the minus strand). VCF-style: chr17-35101206-G-A. GRCh37 (hg19) VCF-style: chr17-33428225-G-A.
Other names: p.Arg300*; c.958C>T, p.Arg320Ter (NM_001142571.2); c.562C>T, p.Arg188Ter (NM_133629.3); short protein forms R300*, R188*, R320*.
Identifiers: ClinVar variation 185048 (VCV000185048.68), dbSNP rs750621215, ClinGen allele CA190870.

ClinVar aggregate classification (germline): Pathogenic/Likely pathogenic. Review status: criteria provided, multiple submitters, no conflicts (2 of 4 stars). 30 submissions from 30 submitters: Pathogenic (2); Likely pathogenic (25). 3 of the submissions do not count toward it. Last evaluated 2026-07-01.

Conditions:
Inherited breast cancer and ovarian cancer.
Inherited ovarian cancer (without breast cancer).
RAD51D-related cancer predisposition. Identifiers: MedGen CN377763, MONDO:0700274.
Familial ovarian cancer. Identifiers: MedGen C5679802, MONDO:0016248.
RAD51D-related disorder. Also called: RAD51D-related condition.
Breast and/or ovarian cancer. Identifiers: MedGen CN221562.
Hereditary cancer-predisposing syndrome. Also called: Hereditary neoplastic syndrome; Tumor predisposition; Neoplastic Syndromes, Hereditary; Hereditary Cancer Syndrome. Identifiers: Orphanet 140162, MedGen C0027672, MeSH D009386, MONDO:0015356.
Gastric cancer. Also called: Malignant tumor of stomach; Stomach cancer. Identifiers: MedGen C0024623, MeSH D013274, MONDO:0001056, OMIM 613659, HP:0012126.
Hereditary breast ovarian cancer syndrome. Also called: Breast and ovarian cancer; Hereditary breast and/or ovarian cancer syndrome; BRCA1- and BRCA2-Associated Hereditary Breast and Ovarian Cancer; Hereditary breast and ovarian cancer; Hereditary breast and ovarian cancer syndrome; Hereditary breast and ovarian cancer syndrome (HBOC). Identifiers: Orphanet 145, MedGen C0677776, MeSH D061325, MONDO:0003582. Disease mechanism: loss of function.
Breast-ovarian cancer, familial, susceptibility to, 4. Identifiers: Orphanet 145, MedGen C3280345, MONDO:0013669, OMIM 614291.
Ovarian neoplasm. Also called: Neoplasm of ovary; Ovarian tumor; Ovarian Neoplasms. Identifiers: MedGen C0919267, MeSH D010051, MONDO:0021068, HP:0100615.
Malignant tumor of breast. Also called: Malignant breast neoplasm; Cancer breast. Identifiers: MedGen C0006142, MONDO:0007254. Disease mechanism: loss of function.

Allele frequency attached by ClinVar (database versions not stated): gnomAD 0.00002; TOPMed 0.00002; ExAC 0.00003; gnomAD exomes 0.00003.
gnomAD v4.1: 51 of 1,613,996 alleles (0.0032%); highest among the groups gnomAD compares: East Asian, 0.011%; no homozygotes.

Submissions 1 to 8 of 30:

CeGaT Center for Human Genetics Tuebingen
Classification: Likely pathogenic. Last evaluated: 2026-07-01. Review status: criteria provided, single submitter. Criteria: CeGaT Center For Human Genetics Tuebingen Variant Classification Criteria Version 2. Collection method: clinical testing. Allele origin: germline. Affected: yes. Observed: 1 variant allele.
Comment: RAD51D: PVS1:Strong, PS4:Moderate

PreventionGenetics, part of Exact Sciences
Classification: Likely pathogenic for RAD51D-related condition. Last evaluated: 2026-05-26. Review status: criteria provided, single submitter. Criteria: ACMG Guidelines, 2015. Collection method: clinical testing. Allele origin: germline.
Comment: The RAD51D c.898C>T variant is predicted to result in premature protein termination (p.Arg300*). This variant has been reported in multiple individuals with a personal or family history of breast and/or ovarian cancers (Table A3, Song et al. 2015. PubMed ID: 26261251; Table S2, Couch et al. 2015. PubMed ID: 25452441; Table S3, Sun et al. 2017. PubMed ID: 28724667; Table 1, Konstanta et al. 2018. PubMed ID: 30111881; Table S6, Yang et al. 2020. PubMed ID: 32107557). It has also been reported in individuals with prostate cancer (reported as p.R188X in Table S4, Liang et al. 2022. PubMed ID: 36095024) and lung cancer (Supplementary Data 1, Peng et al. 2022. PubMed ID: 35273153), and in an individual with a family history of pancreatic cancer (reported as p.Arg320Ter in Yin et al. 2022. PubMed ID: 35171259). This variant has also been observed in reportedly healthy individuals (Table S3, Southey et al. 2021. PubMed ID: 34887416; Table S2, Nguyen-Dumont et al. 2021. PubMed ID: 33804961). This variant is located in the penultimate exon and may not undergo nonsense-mediated decay. However, functional studies suggest that the C-terminus of the RAD51D protein is necessary for protein-protein interaction (Miller et al. 2004. PubMed ID: 14704354). This variant is reported in 0.016% of alleles in individuals of East Asian descent in gnomAD and is interpreted as pathogenic/likely pathogenic in ClinVar (Variation ID: 185048). This variant is interpreted as likely pathogenic.

German Consortium for Hereditary Breast and Ovarian Cancer, University Hospital Cologne
Classification: Likely pathogenic for Hereditary breast ovarian cancer syndrome. Last evaluated: 2026-03-13. Review status: criteria provided, single submitter. Criteria: ACMG SVI. Collection method: curation. Allele origin: germline.
Comment: This classification follows the ACMG SVI adaptation classification scheme; We chose these criteria: PVS1 (strong pathogenic): no NDM predicted / deletion likely disrupts C-terminus of the ATPase domain (PMID: 14704354, 19327148, 21111057) and RAD51C interaction domain (PMID: 10749867, 14704354, 19327148), PS4 (medium pathogenic): PS4_mod reported in 37 out of 590,001 NFE in gnomAD V41 vs. 5 out of 13,840 index cases with OC from GC-HBOC (Odds ratio: 5.7629, 95 % CI: 2.2646 to 14.6653, P = 0.0002)

Ambry Genetics
Classification: Likely pathogenic for Hereditary cancer-predisposing syndrome. Last evaluated: 2025-12-17. Review status: criteria provided, single submitter. Criteria: Ambry Variant Classification Scheme 2023. Collection method: clinical testing. Allele origin: germline.
Comment: The p.R300* variant (also known as c.898C>T), located in coding exon 9 of the RAD51D gene, results from a C to T substitution at nucleotide position 898. This changes the amino acid from an arginine to a stop codon within coding exon 9. This alteration occurs at the 3' terminus of theRAD51D gene, is not expected to trigger nonsense-mediated mRNA decay, and only impacts the last 28 amino acids of the protein. However, premature stop codons are typically deleterious in nature and the impacted region is critical for protein function (Ambry internal data). Structural analysis has revealed that this region contains a highly conserved ATP cap which functions to hold the ATP in place, and is likely to impact nucleoprotein filament stability (Amunugama R et al. J. Biol. Chem. 2012 Mar;287:8724-36). Based on the majority of available evidence to date, this variant is likely to be pathogenic.

Labcorp Genetics (formerly Invitae), Labcorp
Classification: Likely pathogenic for Breast-ovarian cancer, familial, susceptibility to, 4. Last evaluated: 2025-11-25. Review status: criteria provided, single submitter. Criteria: Invitae Variant Classification Sherloc (09022015). Collection method: clinical testing. Allele origin: germline.
Comment: This sequence change creates a premature translational stop signal (p.Arg300*) in the RAD51D gene. While this is not anticipated to result in nonsense mediated decay, it is expected to disrupt the last 29 amino acid(s) of the RAD51D protein. This variant is present in population databases (rs750621215, gnomAD 0.02%). This premature translational stop signal has been observed in individual(s) with personal and/or family history of breast cancer and/or ovarian cancer (PMID: 25452441, 26261251, 28724667, 29255180, 32885271). This variant is also known as c.958C>T (p.Arg320*). ClinVar contains an entry for this variant (Variation ID: 185048). This variant is expected to delete amino acid residues Arg300-Thr328 of the RAD51D protein, thereby removing the C-terminus of the ATPase domain (PMID: 14704354, 19327148, 21111057). Although functional studies have not been done for this particular variant, experimental studies using yeast two-hybrid analysis have shown that the region of the RAD51D protein necessary for RAD51C complexing localizes to the last ~100 amino acids (PMID: 10749867, 14704354, 19327148). The data indicates that this variant likely disrupts this important RAD51D-RAD51C interaction. In summary, the currently available evidence indicates that the variant is pathogenic, but additional data are needed to prove that conclusively. Therefore, this variant has been classified as Likely Pathogenic.

Genetics Laboratory, Great Ormond Street Hospital NHS Foundation Trust, North Thames Genomic Laboratory Hub
Classification: Likely pathogenic for Inherited breast cancer and ovarian cancer. Last evaluated: 2025-11-06. Review status: criteria provided, single submitter. Criteria: CanVIG Consensus Spec V3.0. Collection method: clinical testing. Allele origin: germline. Affected: yes.
Comment: PS4_moderate, PVS1_strong

Quest Diagnostics Nichols Institute San Juan Capistrano
Classification: Likely pathogenic. Last evaluated: 2025-10-10. Review status: criteria provided, single submitter. Criteria: Quest Diagnostics criteria. Collection method: clinical testing. Allele origin: unknown.
Comment: The RAD51D c.898C>T (p.Arg300*) variant is predicted to cause the premature termination of RAD51D protein synthesis. This variant has been reported in the published literature in individuals with breast and/or ovarian cancer (PMID: 38118367 (2024), 35710434 (2022), 36185283 (2022), 32885271 (2021), 31300551 (2020), 30111881 (2018), 29255180 (2017), 28724667 (2017), 26261251 (2015), 25452441 (2015), 33471991 (2021) see also LOVD), prostate cancer (PMID: 36095024 (2022)), pancreatic cancer (PMID: 35171259 (2022)), and lung cancer (PMID: 35273153 (2022)). This variant has additionally been observed in reportedly unaffected individuals (PMIDs: 33804961 (2021), 34887416 (2021), 32906206 (2020), 26261251 (2015), 33471991 (2021) see also LOVD). The frequency of this variant in the general population (Genome Aggregation Database) is consistent with pathogenicity. Based on the available information, this variant is classified as likely pathogenic .

Institute for Genomic Medicine (IGM) Clinical Laboratory, Nationwide Children's Hospital
Classification: Pathogenic for RAD51D-related cancer predisposition. Last evaluated: 2025-10-06. Review status: criteria provided, single submitter. Criteria: ACMG Guidelines, 2015. Collection method: clinical testing. Allele origin: germline.
Comment: This variant is predicted to result in loss of function through nonsense-mediated decay of the encoded transcript or premature truncation of the encoded protein in a gene in which loss of function is a known mechanism of disease (ACMG/AMP: PVS1; PMIDs:21822267, 32359370). This variant has been reported at an elevated frequency in affected individuals/in multiple affected individuals in the literature (ACMG/AMP: PS4; PMIDs:26261251, 30111881, 31300551, 32107557, 33858678, 34923718, 35186721, 35710434, 36185283, 36544182, 38118367).